The following is an entry in ClinVar:

ClinVar aggregate classification (germline): Uncertain significance (1 of 4 stars; one submission).

Conditions:
Hypertrophic cardiomyopathy. Also called: HYPERTROPHIC MYOCARDIOPATHY. Identifiers: Orphanet 217569, MedGen C0007194, MeSH D002312, MONDO:0005045, HP:0001639.

Submission:

Labcorp Genetics (formerly Invitae), Labcorp
Classification: Uncertain significance for Hypertrophic cardiomyopathy. Last evaluated: 2020-09-18. Review status: criteria provided, single submitter. Criteria: Invitae Variant Classification Sherloc (09022015). Collection method: clinical testing. Allele origin: germline.
Comment: This variant has not been reported in the literature in individuals with TPM1-related conditions. This variant is not present in population databases (ExAC no frequency). This sequence change replaces leucine with methionine at codon 274 of the TPM1 protein (p.Leu274Met). The leucine residue is highly conserved and there is a small physicochemical difference between leucine and methionine. Algorithms developed to predict the effect of missense changes on protein structure and function are either unavailable or do not agree on the potential impact of this missense change (SIFT: "Deleterious"; PolyPhen-2: "Benign"; Align-GVGD: "Class C0"). In summary, the available evidence is currently insufficient to determine the role of this variant in disease. Therefore, it has been classified as a Variant of Uncertain Significance.

NM_001018005.2(TPM1):c.820C>A (p.Leu274Met)

Gene: TPM1 (tropomyosin 1; plus strand). Cytogenetic location: 15q22.2.
Variant type: single nucleotide variant.
Coding change: c.820C>A on transcript NM_001018005.2 (MANE Select); coding-DNA position 820, C replaced by A.
Protein change: p.Leu274Met; replaces leucine 274 with methionine.
Molecular consequence: missense variant. On other transcripts: intron variant (12).
Genome position (GRCh38, 1-based): chr15:63,064,111, C>A. VCF-style: chr15-63064111-C-A. GRCh37 (hg19) VCF-style: chr15-63356310-C-A.
Other names: c.820C>A, p.Leu274Met (NM_000366.6, NM_001301244.2, NM_001365779.1); c.712C>A, p.Leu238Met (NM_001330346.2, NM_001365781.2, NM_001365782.1); c.898+1466C>A (NM_001365778.1); c.772+1466C>A (NM_001018020.2, NM_001018007.2, NM_001018006.2 and 3 more transcripts); c.664+1466C>A (NM_001330351.2, NM_001330344.2, NM_001018008.2 and 2 more transcripts); short protein forms L238M, L274M.
Identifiers: ClinVar variation 1063570 (VCV001063570.9), dbSNP rs2140992377, ClinGen allele CA392725168.